The following is an entry in ClinVar:

ClinVar aggregate classification (germline): Likely benign. Review status: criteria provided, multiple submitters, no conflicts (2 of 4 stars). 4 submissions from 4 submitters: Likely benign (4). Last evaluated 2025-09-03.

Conditions:
Cardiovascular phenotype. Identifiers: MedGen CN230736.
Hypertrophic cardiomyopathy 4. Also called: Familial hypertrophic cardiomyopathy 4. Identifiers: MedGen C1861862, MONDO:0007268, OMIM 115197.
Left ventricular noncompaction 10 (LVNC10). Identifiers: Orphanet 154, Orphanet 54260, MedGen C3715165, MONDO:0014163, OMIM 615396.
Hypertrophic cardiomyopathy. Also called: HYPERTROPHIC MYOCARDIOPATHY. Identifiers: Orphanet 217569, MedGen C0007194, MeSH D002312, MONDO:0005045, HP:0001639.

Allele frequency attached by ClinVar (database versions not stated): TOPMed 0.00001.

Submissions (4):

Labcorp Genetics (formerly Invitae), Labcorp
Classification: Likely benign for Hypertrophic cardiomyopathy. Last evaluated: 2025-09-03. Review status: criteria provided, single submitter. Criteria: Invitae Variant Classification Sherloc (09022015). Collection method: clinical testing. Allele origin: germline.

All of Us Research Program, National Institutes of Health
Classification: Likely benign for Hypertrophic cardiomyopathy. Last evaluated: 2023-06-26. Review status: criteria provided, single submitter. Criteria: ACMG Guidelines, 2015. Collection method: clinical testing. Allele origin: germline. Inheritance: Autosomal dominant inheritance. Observed: 1 variant allele, 1 heterozygote.
Comment: This study involves interpretation of variants in research participants for the purpose of population health screening. Participant phenotype was not available at the time of variant classification. Additional details can be found in publication PMID: 35346344, PMCID: PMC8962531

Fulgent Genetics
Classification: Likely benign for Hypertrophic cardiomyopathy 4; Left ventricular noncompaction 10. Last evaluated: 2021-11-22. Review status: criteria provided, single submitter. Criteria: ACMG Guidelines, 2015. Collection method: clinical testing. Allele origin: unknown.

Ambry Genetics
Classification: Likely benign for Cardiovascular phenotype. Last evaluated: 2020-03-19. Review status: criteria provided, single submitter. Criteria: Ambry Variant Classification Scheme 2023. Collection method: clinical testing. Allele origin: germline.

NM_000256.3(MYBPC3):c.450C>G (p.Pro150=)

Gene: MYBPC3 (myosin binding protein C3; minus strand). Cytogenetic location: 11p11.2.
Variant type: single nucleotide variant.
Coding change: c.450C>G on transcript NM_000256.3 (MANE Select); coding-DNA position 450, C replaced by G.
Protein change: p.Pro150=; no amino-acid change (proline 150 retained).
Molecular consequence: synonymous variant.
Genome position (GRCh38, 1-based): chr11:47,350,069, G>C on the plus strand (C>G on the coding strand, the complement: MYBPC3 is on the minus strand). VCF-style: chr11-47350069-G-C. GRCh37 (hg19) VCF-style: chr11-47371620-G-C.
Identifiers: ClinVar variation 756994 (VCV000756994.13), dbSNP rs377520770, ClinGen allele CA055427.